The following is an entry in ClinVar:

NM_000283.4(PDE6B):c.870G>A (p.Trp290Ter)

Genes: PDE6B (phosphodiesterase 6B; plus strand), PDE6B-AS1 (PDE6B antisense RNA 1; minus strand). Cytogenetic location: 4p16.3.
Variant type: single nucleotide variant.
Coding change: c.870G>A on transcript NM_000283.4 (MANE Select); coding-DNA position 870, G replaced by A.
Protein change: p.Trp290Ter; replaces tryptophan 290 with a stop codon.
Molecular consequence: nonsense. On other transcripts: non-coding transcript variant (1), 5 prime UTR variant (1).
Genome position (GRCh38, 1-based): chr4:654,097, G>A. VCF-style: chr4-654097-G-A. GRCh37 (hg19) VCF-style: chr4-647886-G-A.
Other names: c.870G>A, p.Trp290Ter (NM_001145291.2); c.33G>A, p.Trp11Ter (NM_001145292.2, NM_001350154.3, NM_001379246.1 and 1 more transcripts); c.-171G>A (NM_001350155.3); short protein forms W290*, W11*.
Identifiers: ClinVar variation 3544485 (VCV003544485.1).

ClinVar aggregate classification (germline): Likely pathogenic (1 of 4 stars; one submission).

Conditions:
Retinitis pigmentosa (RP). Identifiers: Orphanet 791, MedGen C0035334, MeSH D012174, MONDO:0019200, OMIM 268000. Inheritance: Autosomal dominant, autosomal recessive and X linked inheritance.

gnomAD v4.1: 1 of 1,613,892 alleles (0.000062%); highest among the groups gnomAD compares: Non-Finnish European, 0.000085%; no homozygotes.

Submission:

Lab De Baere, Eye and Developmental Genetics Lab, Ghent University
Classification: Likely pathogenic for Retinitis pigmentosa. Last evaluated: 2024-10-01. Review status: criteria provided, single submitter. Criteria: ACMG Guidelines, 2015. Collection method: research. Allele origin: inherited. Affected: yes. Observed: 1 variant allele.
Comment: ACMG/AMP guidelines: PM2, PVS1, BS, PP1, PM3_PP